The following is an entry in ClinVar:

ClinVar aggregate classification (germline): Uncertain significance. Review status: criteria provided, multiple submitters, no conflicts (2 of 4 stars). 3 submissions from 3 submitters: Uncertain significance (3). Last evaluated 2025-12-15.

Conditions:
Familial thoracic aortic aneurysm and aortic dissection (TAAD). Also called: Thoracic aortic aneurysms and dissections. Identifiers: Orphanet 91387, MedGen C4707243, MONDO:0019625.
Heterotopia, periventricular, X-linked dominant (PVNH1). Also called: PERIVENTRICULAR NODULAR HETEROTOPIA 1; X-linked periventricular heterotopia; PERIVENTRICULAR NODULAR HETEROTOPIA 4; HETEROTOPIA, PERIVENTRICULAR, 1. Identifiers: Orphanet 2149, Orphanet 82004, MedGen C1848213, MONDO:0010233, OMIM 300049.
Oto-palato-digital syndrome, type II (OPD2). Also called: FACIOPALATOOSSEOUS SYNDROME; OPD II SYNDROME; Otopalatodigital Syndrome Type 2 (FLNA-OPD2); Otopalatodigital Syndrome, Type II. Identifiers: Orphanet 669, Orphanet 90652, MedGen C1844696, MONDO:0010571, OMIM 304120.
Frontometaphyseal dysplasia (FMD1). Identifiers: Orphanet 1826, MedGen C0265293, MONDO:0015942.
Melnick-Needles syndrome (MNS). Also called: MELNICK-NEEDLES OSTEODYSPLASTY; OSTEODYSPLASTY OF MELNICK AND NEEDLES; Melnick-Needles Syndrome (FLNA-MNS). Identifiers: Orphanet 2484, MedGen C0025237, MONDO:0010650, OMIM 309350.

Allele frequency attached by ClinVar (database versions not stated): TOPMed below 0.00001; gnomAD 0.00001.
gnomAD v4.1: 2 of 1,210,176 alleles (0.00017%); highest among the groups gnomAD compares: Non-Finnish European, 0.00022%; no homozygotes.

Submissions (3):

Labcorp Genetics (formerly Invitae), Labcorp
Classification: Uncertain significance for Oto-palato-digital syndrome, type II; Heterotopia, periventricular, X-linked dominant; Frontometaphyseal dysplasia; Melnick-Needles syndrome. Last evaluated: 2025-12-15. Review status: criteria provided, single submitter. Criteria: Invitae Variant Classification Sherloc (09022015). Collection method: clinical testing. Allele origin: germline.
Comment: This sequence change replaces leucine, which is neutral and non-polar, with arginine, which is basic and polar, at codon 1139 of the FLNA protein (p.Leu1139Arg). This variant is not present in population databases (gnomAD no frequency). This variant has not been reported in the literature in individuals affected with FLNA-related conditions. ClinVar contains an entry for this variant (Variation ID: 464983). Invitae Evidence Modeling of protein sequence and biophysical properties (such as structural, functional, and spatial information, amino acid conservation, physicochemical variation, residue mobility, and thermodynamic stability) indicates that this missense variant is not expected to disrupt FLNA protein function with a negative predictive value of 95%. In summary, the available evidence is currently insufficient to determine the role of this variant in disease. Therefore, it has been classified as a Variant of Uncertain Significance.

Women's Health and Genetics/Laboratory Corporation of America, LabCorp
Classification: Uncertain significance. Last evaluated: 2025-06-16. Review status: criteria provided, single submitter. Criteria: LabCorp Variant Classification Summary - May 2015. Collection method: clinical testing. Allele origin: germline.

Ambry Genetics
Classification: Uncertain significance for Familial thoracic aortic aneurysm and aortic dissection. Last evaluated: 2024-09-26. Review status: criteria provided, single submitter. Criteria: Ambry Variant Classification Scheme 2023. Collection method: clinical testing. Allele origin: germline.

NM_001110556.2(FLNA):c.3416T>G (p.Leu1139Arg)

Gene: FLNA (filamin A; minus strand). Cytogenetic location: Xq28.
Variant type: single nucleotide variant.
Coding change: c.3416T>G on transcript NM_001110556.2 (MANE Select); coding-DNA position 3416, T replaced by G.
Protein change: p.Leu1139Arg; replaces leucine 1139 with arginine.
Molecular consequence: missense variant.
Genome position (GRCh38, 1-based): chrX:154,360,379, A>C on the plus strand (T>G on the coding strand, the complement: FLNA is on the minus strand). VCF-style: chrX-154360379-A-C. GRCh37 (hg19) VCF-style: chrX-153588747-A-C.
Other names: c.3416T>G, p.Leu1139Arg (NM_001456.4); short protein forms L1139R.
Identifiers: ClinVar variation 464983 (VCV000464983.10), dbSNP rs782633080, ClinGen allele CA415227757.